The following is an entry in ClinVar:

ClinVar aggregate classification (germline): Uncertain significance. Review status: criteria provided, multiple submitters, no conflicts (2 of 4 stars). 3 submissions from 3 submitters: Uncertain significance (3). Last evaluated 2026-04-28.

Conditions:
Birt-Hogg-Dube syndrome. Also called: Birt Hogg Dubé syndrome. Identifiers: Orphanet 122, MedGen C0346010, MONDO:0800444.
Hereditary cancer-predisposing syndrome. Also called: Hereditary Cancer Syndrome; Hereditary neoplastic syndrome; Tumor predisposition; Neoplastic Syndromes, Hereditary. Identifiers: Orphanet 140162, MedGen C0027672, MeSH D009386, MONDO:0015356.

Submissions (3):

Dasa
Classification: Uncertain significance. Last evaluated: 2026-04-28. Review status: criteria provided, single submitter. Criteria: DASA Assertion Criteria. Collection method: clinical testing. Allele origin: germline.
Comment: NM_144997.7(FLCN):c.922_924del (p.Glu308del) is an in-frame deletion predicted to remove glutamic acid at protein position 308 without shifting the reading frame. This variant is rare in population databases. The currently available literature and clinical evidence are not sufficient to establish a definitive association between this variant and the reported condition. Therefore, this variant is classified as a variant of uncertain significance.

Labcorp Genetics (formerly Invitae), Labcorp
Classification: Uncertain significance for Birt-Hogg-Dube syndrome. Last evaluated: 2026-01-18. Review status: criteria provided, single submitter. Criteria: Invitae Variant Classification Sherloc (09022015). Collection method: clinical testing. Allele origin: germline.
Comment: This variant, c.922_924del, results in the deletion of 1 amino acid(s) of the FLCN protein (p.Glu308del), but otherwise preserves the integrity of the reading frame. This variant is not present in population databases (gnomAD no frequency). This variant has not been reported in the literature in individuals affected with FLCN-related conditions. ClinVar contains an entry for this variant (Variation ID: 643165). Experimental studies and prediction algorithms are not available or were not evaluated, and the functional significance of this variant is currently unknown. In summary, the available evidence is currently insufficient to determine the role of this variant in disease. Therefore, it has been classified as a Variant of Uncertain Significance.

Ambry Genetics
Classification: Uncertain significance for Hereditary cancer-predisposing syndrome. Last evaluated: 2024-12-05. Review status: criteria provided, single submitter. Criteria: Ambry Variant Classification Scheme 2023. Collection method: clinical testing. Allele origin: germline.
Comment: The c.922_924delGAG variant (also known as p.E308del) is located in coding exon 6 of the FLCN gene. This variant results from an in-frame GAG deletion at nucleotide positions 922 to 924. This results in the in-frame deletion of a glutamic acid at codon 308. This amino acid position is well conserved in available vertebrate species. In addition, this alteration is predicted to be neutral by in silico analysis (Choi Y et al. PLoS ONE. 2012; 7(10):e46688). Based on the available evidence, the clinical significance of this variant remains unclear.

NM_144997.7(FLCN):c.916GAG[2] (p.Glu308del)

Gene: FLCN (folliculin; minus strand). Cytogenetic location: 17p11.2.
Variant type: Microsatellite.
Coding change: c.916GAG[2] on transcript NM_144997.7 (MANE Select); two copies in a row of the 3-base unit GAG starting at c.916; the reference has three copies in a row; one copy, 3 bases deleted; also written c.922_924del.
Protein change: p.Glu308del; deletes glutamic acid 308.
Molecular consequence: inframe deletion.
Genome position (GRCh38, 1-based): chr17:17,219,157-17,219,159, CTC deleted on the plus strand (GAG on the coding strand, the reverse complement: FLCN is on the minus strand); deleting any 3 consecutive bases within chr17:17,219,157-17,219,165 gives the same sequence; the position shown is the placement nearest the transcript's 3' end. VCF-style (leftmost placement, unchanged base first): chr17-17219156-TCTC-T. GRCh37 (hg19) VCF-style: chr17-17122470-TCTC-T.
Other names: c.970GAG[2], p.Glu326del (NM_001353229.2); c.916GAG[2], p.Glu308del (NM_001353230.2, NM_001353231.2); c.922_924del (NM_144997.7, NM_144997.5); short protein forms E326del, E308del.
Identifiers: ClinVar variation 643165 (VCV000643165.11), dbSNP rs1597592053, ClinGen allele CA915949602.
Genomic context (GRCh38, chr17:17,219,156, plus strand): 5'-ACTCTGCCGGGCCCTGGGTCAGCTCCCGCCCTTCTGTACTCTCTGGCAACACAGGGGCTT[TCTC>T]CTCCTCTTCAGCCTCAGAGTTGTCCCAGCTTTCTGATTCCTCTTCTAAATCTGCAAGACA-3'